The following is an entry in ClinVar:

NM_001110556.2(FLNA):c.3617A>G (p.Glu1206Gly)

Gene: FLNA (filamin A; minus strand). Cytogenetic location: Xq28.
Variant type: single nucleotide variant.
Coding change: c.3617A>G on transcript NM_001110556.2 (MANE Select); coding-DNA position 3617, A replaced by G.
Protein change: p.Glu1206Gly; replaces glutamic acid 1206 with glycine.
Molecular consequence: missense variant.
Genome position (GRCh38, 1-based): chrX:154,360,178, T>C on the plus strand (A>G on the coding strand, the complement: FLNA is on the minus strand). VCF-style: chrX-154360178-T-C. GRCh37 (hg19) VCF-style: chrX-153588546-T-C.
Other names: c.3617A>G, p.Glu1206Gly (NM_001456.4); c.3617A>G (NM_001110556.1); short protein forms E1206G.
Identifiers: ClinVar variation 2937945 (VCV002937945.4), dbSNP rs863223622, ClinGen allele CA320160.

ClinVar aggregate classification (germline): Uncertain significance. Review status: criteria provided, multiple submitters, no conflicts (2 of 4 stars). 2 submissions from 2 submitters: Uncertain significance (2). Last evaluated 2025-08-13.

Conditions:
Heterotopia, periventricular, X-linked dominant (PVNH1). Also called: PERIVENTRICULAR NODULAR HETEROTOPIA 4; HETEROTOPIA, PERIVENTRICULAR, 1; PERIVENTRICULAR NODULAR HETEROTOPIA 1; X-linked periventricular heterotopia. Identifiers: Orphanet 2149, Orphanet 82004, MedGen C1848213, MONDO:0010233, OMIM 300049.
Oto-palato-digital syndrome, type II (OPD2). Also called: Otopalatodigital Syndrome, Type II; Otopalatodigital Syndrome Type 2 (FLNA-OPD2); OPD II SYNDROME; FACIOPALATOOSSEOUS SYNDROME. Identifiers: Orphanet 669, Orphanet 90652, MedGen C1844696, MONDO:0010571, OMIM 304120.
Melnick-Needles syndrome (MNS). Also called: Melnick-Needles Syndrome (FLNA-MNS); MELNICK-NEEDLES OSTEODYSPLASTY; OSTEODYSPLASTY OF MELNICK AND NEEDLES. Identifiers: Orphanet 2484, MedGen C0025237, MONDO:0010650, OMIM 309350.
Frontometaphyseal dysplasia (FMD1). Identifiers: Orphanet 1826, MedGen C0265293, MONDO:0015942.
FLNA-related disorder.

Allele frequency attached by ClinVar (database versions not stated): gnomAD exomes below 0.00001.
gnomAD v4.1: 1 of 1,209,733 alleles (0.000083%); highest among the groups gnomAD compares: Non-Finnish European, 0.00011%; no homozygotes.

Submissions (2):

Labcorp Genetics (formerly Invitae), Labcorp
Classification: Uncertain significance for Oto-palato-digital syndrome, type II; Heterotopia, periventricular, X-linked dominant; Frontometaphyseal dysplasia; Melnick-Needles syndrome. Last evaluated: 2025-08-13. Review status: criteria provided, single submitter. Criteria: Invitae Variant Classification Sherloc (09022015). Collection method: clinical testing. Allele origin: germline.
Comment: This sequence change replaces glutamic acid, which is acidic and polar, with glycine, which is neutral and non-polar, at codon 1206 of the FLNA protein (p.Glu1206Gly). This variant is not present in population databases (gnomAD no frequency). This variant has not been reported in the literature in individuals affected with FLNA-related conditions. ClinVar contains an entry for this variant (Variation ID: 2937945). Invitae Evidence Modeling of protein sequence and biophysical properties (such as structural, functional, and spatial information, amino acid conservation, physicochemical variation, residue mobility, and thermodynamic stability) indicates that this missense variant is not expected to disrupt FLNA protein function with a negative predictive value of 95%. In summary, the available evidence is currently insufficient to determine the role of this variant in disease. Therefore, it has been classified as a Variant of Uncertain Significance.

PreventionGenetics, part of Exact Sciences
Classification: Uncertain significance for FLNA-related condition. Last evaluated: 2025-02-11. Review status: criteria provided, single submitter. Criteria: ACMG Guidelines, 2015. Collection method: clinical testing. Allele origin: germline.
Comment: The FLNA c.3617A>G variant is predicted to result in the amino acid substitution p.Glu1206Gly. To our knowledge, this variant has not been reported in the literature or in a large population database (gnomAD), indicating this variant is rare. At this time, the clinical significance of this variant is uncertain due to the absence of conclusive functional and genetic evidence.